The following is an entry in ClinVar:

ClinVar aggregate classification (germline): Conflicting classifications of pathogenicity. Review status: criteria provided, conflicting classifications (1 of 4 stars). 5 submissions from 5 submitters: Uncertain significance (2); Likely benign (3). Last evaluated 2026-09-30.

Conditions:
COL2A1-related disorder. Also called: COL2A1-related condition; COL2A1-related disorders.

Allele frequency attached by ClinVar (database versions not stated): gnomAD 0.00016 and 0.00019; TOPMed 0.00017; gnomAD exomes 0.00007; ExAC 0.00008; ESP Exome Variant Server 0.00031; 1000 Genomes Project 30x 0.00016; 1000 Genomes Project 0.00020.
gnomAD v4.1: 59 of 1,614,052 alleles (0.0037%); highest among the groups gnomAD compares: African/African-American, 0.051%; no homozygotes.

Submissions (5):

GeneDx
Classification: Uncertain significance. Last evaluated: 2026-09-30. Review status: criteria provided, single submitter. Criteria: GeneDx Variant Classification Process June 2021. Collection method: clinical testing. Allele origin: germline.
Comment: Has not been previously published as pathogenic or benign to our knowledge; In silico analysis supports that this missense variant has a deleterious effect on protein structure/function; Not located in the triple helical region, where the majority of pathogenic missense variants occur (HGMD)

Labcorp Genetics (formerly Invitae), Labcorp
Classification: Likely benign. Last evaluated: 2025-08-11. Review status: criteria provided, single submitter. Criteria: Invitae Variant Classification Sherloc (09022015). Collection method: clinical testing. Allele origin: germline.

PreventionGenetics, part of Exact Sciences
Classification: Likely benign for COL2A1-related condition. Last evaluated: 2025-08-05. Review status: criteria provided, single submitter. Criteria: ACMG Guidelines, 2015. Collection method: clinical testing. Allele origin: germline.
Comment: This variant is classified as likely benign based on ACMG/AMP sequence variant interpretation guidelines (Richards et al. 2015 PMID: 25741868, with internal and published modifications).

Blueprint Genetics
Classification: Likely benign. Last evaluated: 2023-10-05. Review status: criteria provided, single submitter. Criteria: ACMG Guidelines, 2015. Collection method: clinical testing. Allele origin: germline.

ARUP Laboratories, Molecular Genetics and Genomics, ARUP Laboratories
Classification: Uncertain significance. Last evaluated: 2019-05-02. Review status: criteria provided, single submitter. Criteria: ARUP Molecular Germline Variant Investigation Process. Collection method: clinical testing. Allele origin: germline.
Comment: The COL2A1 c.4289C>T; p.Thr1430Met variant (rs147559634), to our knowledge, is not described in the medical literature or in gene-specific databases. It is observed in the general population at an overall frequency of 0.009% (25/282814 alleles) in the Genome Aggregation Database. The threonine at codon 1430 is highly conserved, and computational algorithms (PolyPhen-2, SIFT) predict that this variant is deleterious. However, due to the lack of clinical and functional data regarding this variant, its clinical significance cannot be determined with certainty.

NM_001844.5(COL2A1):c.4289C>T (p.Thr1430Met)

Gene: COL2A1 (collagen type II alpha 1 chain; minus strand). Cytogenetic location: 12q13.11.
Variant type: single nucleotide variant.
Coding change: c.4289C>T on transcript NM_001844.5 (MANE Select); coding-DNA position 4289, C replaced by T.
Protein change: p.Thr1430Met; replaces threonine 1430 with methionine.
Molecular consequence: missense variant.
Genome position (GRCh38, 1-based): chr12:47,974,117, G>A on the plus strand (C>T on the coding strand, the complement: COL2A1 is on the minus strand). VCF-style: chr12-47974117-G-A. GRCh37 (hg19) VCF-style: chr12-48367900-G-A.
Other names: c.4082C>T, p.Thr1361Met (NM_033150.3); short protein forms T1361M, T1430M.
Identifiers: ClinVar variation 811136 (VCV000811136.23), dbSNP rs147559634, ClinGen allele CA6534507.